The following is an entry in ClinVar:

ClinVar aggregate classification (germline): Uncertain significance (1 of 4 stars; one submission).

Conditions:
LEPR-related disorder. Also called: LEPR-related disorders; LEPR-related condition.

gnomAD v4.1: 13 of 1,613,888 alleles (0.00081%); highest among the groups gnomAD compares: African/African-American, 0.004%; no homozygotes.

Submission:

PreventionGenetics, part of Exact Sciences
Classification: Uncertain significance for LEPR-related condition. Last evaluated: 2025-03-31. Review status: criteria provided, single submitter. Criteria: ACMG Guidelines, 2015. Collection method: clinical testing. Allele origin: germline.
Comment: The LEPR c.20G>A variant is predicted to result in the amino acid substitution p.Cys7Tyr. This variant was observed in a cohort of individuals with obesity, and in vitro functional studies showed function similar to wild-type levels (Supplemental Data Set, Shah et al. 2023. PubMed ID: 36864747). This variant is reported in 0.0080% of alleles in individuals of African descent in gnomAD. At this time, the clinical significance of this variant is uncertain due to the absence of conclusive functional and genetic evidence.

NM_002303.6(LEPR):c.20G>A (p.Cys7Tyr)

Gene: LEPR (leptin receptor; plus strand). Cytogenetic location: 1p31.3.
Variant type: single nucleotide variant.
Coding change: c.20G>A on transcript NM_002303.6 (MANE Select); coding-DNA position 20, G replaced by A.
Protein change: p.Cys7Tyr; replaces cysteine 7 with tyrosine.
Molecular consequence: missense variant.
Genome position (GRCh38, 1-based): chr1:65,565,585, G>A. VCF-style: chr1-65565585-G-A. GRCh37 (hg19) VCF-style: chr1-66031268-G-A.
Other names: c.20G>A, p.Cys7Tyr (NM_001003679.3, NM_001003680.3, NM_001198687.2 and 2 more transcripts); short protein forms C7Y.
Identifiers: ClinVar variation 4999660 (VCV004999660.1).